The following is an entry in ClinVar:

ClinVar aggregate classification (germline): Benign/Likely benign. Review status: criteria provided, multiple submitters, no conflicts (2 of 4 stars). 7 submissions from 7 submitters: Benign (1); Likely benign (5). 1 of the submissions does not count toward it. Last evaluated 2026-06-01.

Conditions:
Fibrous dysplasia of jaw (CRBM). Also called: Cherubism. Identifiers: Orphanet 184, MedGen C0008029, MONDO:0007315, OMIM 118400.

Allele frequency attached by ClinVar (database versions not stated): ESP Exome Variant Server 0.00023; TOPMed 0.00045; gnomAD exomes 0.00058 and 0.00084; ExAC 0.00067; gnomAD 0.00070 and 0.00072; 1000 Genomes Project 30x 0.00078; 1000 Genomes Project 0.00080.
gnomAD v4.1: 1,270 of 1,563,928 alleles (0.081%); highest among the groups gnomAD compares: Non-Finnish European, 0.091%; 2 homozygotes.

Submissions (7):

CeGaT Center for Human Genetics Tuebingen
Classification: Likely benign. Last evaluated: 2026-06-01. Review status: criteria provided, single submitter. Criteria: CeGaT Center For Human Genetics Tuebingen Variant Classification Criteria Version 2. Collection method: clinical testing. Allele origin: germline. Affected: yes. Observed: 1 variant allele.
Comment: SH3BP2: PM4, BS2

Women's Health and Genetics/Laboratory Corporation of America, LabCorp
Classification: Likely benign. Last evaluated: 2026-04-23. Review status: criteria provided, single submitter. Criteria: LabCorp Variant Classification Summary - May 2015. Collection method: clinical testing. Allele origin: germline.
Comment: Variant summary: SH3BP2 c.1686A>G (p.X562TrpextX30) changes the termination codon and is predicted to lead to an extended protein with additional amino acids added to the normal C-terminus. The variant allele was found at a frequency of 0.00058 in 175060 control chromosomes. The observed variant frequency exceeds the estimated maximal expected allele frequency for disease-causing variants in SH3BP2. To our knowledge, no occurrence of c.1686A>G in individuals affected with SH3BP2-related conditions and no experimental evidence demonstrating its impact on protein function have been reported. ClinVar contains an entry for this variant (Variation ID: 525208). Based on the evidence outlined above, the variant was classified as likely benign.

Labcorp Genetics (formerly Invitae), Labcorp
Classification: Likely benign for Fibrous dysplasia of jaw. Last evaluated: 2026-01-24. Review status: criteria provided, single submitter. Criteria: Invitae Variant Classification Sherloc (09022015). Collection method: clinical testing. Allele origin: germline.

Blueprint Genetics
Classification: Likely benign. Last evaluated: 2024-11-07. Review status: criteria provided, single submitter. Criteria: ACMG Guidelines, 2015. Collection method: clinical testing. Allele origin: germline.

Fulgent Genetics
Classification: Likely benign for Fibrous dysplasia of jaw. Last evaluated: 2018-10-31. Review status: criteria provided, single submitter. Criteria: ACMG Guidelines, 2015. Collection method: clinical testing. Allele origin: unknown.

Illumina Laboratory Services, Illumina
Classification: Benign for Fibrous dysplasia of jaw. Last evaluated: 2017-04-28. Review status: criteria provided, single submitter. Criteria: ICSL Variant Classification Criteria 13 December 2019. Collection method: clinical testing. Allele origin: germline.
Comment: This variant was observed in the ICSL laboratory as part of a predisposition screen in an ostensibly healthy population. It had not been previously curated by ICSL or reported in the Human Gene Mutation Database (HGMD: prior to June 1st, 2018), and was therefore a candidate for classification through an automated scoring system. Utilizing variant allele frequency, disease prevalence and penetrance estimates, and inheritance mode, an automated score was calculated to assess if this variant is too frequent to cause the disease. Based on the score and internal cut-off values, a variant classified as benign is not then subjected to further curation. The score for this variant resulted in a classification of benign for this disease.

Clinical Genetics DNA and cytogenetics Diagnostics Lab, Erasmus MC, Erasmus Medical Center
Classification: Uncertain significance. Review status: no assertion criteria provided. Collection method: clinical testing. Allele origin: germline. Affected: yes. Study: VKGL Data-share Consensus. Not counted in ClinVar's aggregate classification.

NM_001122681.2(SH3BP2):c.1686A>G (p.Ter562Trp)

Gene: SH3BP2 (SH3 domain binding protein 2; plus strand). Cytogenetic location: 4p16.3.
Variant type: single nucleotide variant.
Coding change: c.1686A>G on transcript NM_001122681.2 (MANE Select); coding-DNA position 1686, A replaced by G.
Protein change: p.Ter562Trp.
Molecular consequence: stop lost.
Genome position (GRCh38, 1-based): chr4:2,833,834, A>G. VCF-style: chr4-2833834-A-G. GRCh37 (hg19) VCF-style: chr4-2835561-A-G.
Other names: *562W; *590W; *619W; c.1686A>G, p.Ter562Trp (LRG_1334t1, NM_003023.4); c.1770A>G, p.Ter590Trp (LRG_1334t2, NM_001145855.2); c.1857A>G, p.Ter619Trp (NM_001145856.2).
Identifiers: ClinVar variation 525208 (VCV000525208.26), dbSNP rs190648042, ClinGen allele CA2819659.